The following is an entry in ClinVar:

NM_024529.5(CDC73):c.230G>T (p.Arg77Leu)

Gene: CDC73 (cell division cycle 73; plus strand). Cytogenetic location: 1q31.2.
Variant type: single nucleotide variant.
Coding change: c.230G>T on transcript NM_024529.5 (MANE Select); coding-DNA position 230, G replaced by T.
Protein change: p.Arg77Leu; replaces arginine 77 with leucine.
Molecular consequence: missense variant.
Genome position (GRCh38, 1-based): chr1:193,125,210, G>T. VCF-style: chr1-193125210-G-T. GRCh37 (hg19) VCF-style: chr1-193094340-G-T.
Other names: short protein forms R77L.
Identifiers: ClinVar variation 2116690 (VCV002116690.4), dbSNP rs1572142617, ClinGen allele CA343973245.
Genomic context (GRCh38, chr1:193,125,210, plus strand): 5'-TGGATTCCATTTTATTTCTACTTAATAACGTGCACCTTTCTCATCCTGTTTATGTCCGAC[G>T]TGCAGCTGTAAGTAGAATTCATTTTACTTATCTATCTATTTATCAGTTTTATTTTTATTT-3'
Protein context (NP_078805.3, residues 67-87): VHLSHPVYVR[Arg77Leu]AATENIPVVR

ClinVar aggregate classification (germline): Uncertain significance (1 of 4 stars; one submission).

Conditions:
Parathyroid carcinoma (PRTC). Also called: Parathyroid gland carcinoma; CDC73-Related Parathyroid Carcinoma. Identifiers: Orphanet 143, MedGen C0687150, MONDO:0012004, OMIM 608266, HP:0006780.

Submission:

Labcorp Genetics (formerly Invitae), Labcorp
Classification: Uncertain significance for Parathyroid carcinoma. Last evaluated: 2022-04-27. Review status: criteria provided, single submitter. Criteria: Invitae Variant Classification Sherloc (09022015). Collection method: clinical testing. Allele origin: germline.
Comment: In summary, the available evidence is currently insufficient to determine the role of this variant in disease. Therefore, it has been classified as a Variant of Uncertain Significance. This sequence change replaces arginine, which is basic and polar, with leucine, which is neutral and non-polar, at codon 77 of the CDC73 protein (p.Arg77Leu). This variant is not present in population databases (gnomAD no frequency). This variant has not been reported in the literature in individuals affected with CDC73-related conditions. Algorithms developed to predict the effect of missense changes on protein structure and function are either unavailable or do not agree on the potential impact of this missense change (SIFT: "Tolerated"; PolyPhen-2: "Possibly Damaging"; Align-GVGD: "Class C15").